The following is an entry in ClinVar:

NM_007294.4(BRCA1):c.670+16G>A

Gene: BRCA1 (BRCA1 DNA repair associated; minus strand). Cytogenetic location: 17q21.31.
Variant type: single nucleotide variant.
Coding change: c.670+16G>A on transcript NM_007294.4 (MANE Select); 16 bases into the intron after coding-DNA position 670, G replaced by A.
Molecular consequence: intron variant.
Genome position (GRCh38, 1-based): chr17:43,095,830, C>T on the plus strand (G>A on the coding strand, the complement: BRCA1 is on the minus strand). VCF-style: chr17-43095830-C-T. GRCh37 (hg19) VCF-style: chr17-41247847-C-T.
Other names: c.545-970G>A (NM_001407685.1, NM_001407688.1, NM_001407940.1 and 20 more transcripts); c.667+16G>A (NM_001408401.1, NM_001408396.1, NM_001407985.1 and 41 more transcripts); c.547+3945G>A (NM_001408494.1); c.548-970G>A (NM_001408444.1, NM_001408438.1, NM_001408430.1 and 34 more transcripts); c.670+16G>A (NM_001408423.1, NM_001408420.1, NM_001408404.1 and 58 more transcripts); c.460+16G>A (NM_001408492.1, NM_001407889.1, NM_001408513.1 and 27 more transcripts); c.526+16G>A (NM_001408468.1, NM_001407842.1, NM_001407749.1 and 26 more transcripts); c.407-970G>A (NM_001408501.1, NM_001408500.1, NM_001407921.1 and 15 more transcripts); and 17 more.
Identifiers: ClinVar variation 142297 (VCV000142297.40), dbSNP rs199916228, ClinGen allele CA003792.

ClinVar aggregate classification (germline): Benign. Review status: reviewed by expert panel (3 of 4 stars). 11 submissions from 11 submitters: Benign (1). 10 of the submissions do not count toward it. Last evaluated 2019-06-18.

Conditions:
Hereditary cancer-predisposing syndrome. Also called: Tumor predisposition; Hereditary neoplastic syndrome; Hereditary Cancer Syndrome; Neoplastic Syndromes, Hereditary. Identifiers: Orphanet 140162, MedGen C0027672, MeSH D009386, MONDO:0015356.
Hereditary breast ovarian cancer syndrome. Also called: Hereditary breast and/or ovarian cancer syndrome; Breast and ovarian cancer; Hereditary breast and ovarian cancer syndrome; Hereditary breast and ovarian cancer; Hereditary breast and ovarian cancer syndrome (HBOC); BRCA1- and BRCA2-Associated Hereditary Breast and Ovarian Cancer. Identifiers: Orphanet 145, MedGen C0677776, MeSH D061325, MONDO:0003582. Disease mechanism: loss of function.
Breast-ovarian cancer, familial, susceptibility to, 1 (BROVCA1). Also called: BRCA1 Hereditary Breast and Ovarian Cancer; OVARIAN CANCER, SUSCEPTIBILITY TO. Identifiers: Orphanet 145, MedGen C2676676, MONDO:0011450, OMIM 604370. Disease mechanism: loss of function.
Malignant tumor of breast. Also called: Malignant breast neoplasm; Cancer breast. Identifiers: MedGen C0006142, MONDO:0007254. Disease mechanism: loss of function.

Allele frequency attached by ClinVar (database versions not stated): gnomAD exomes 0.00015 and 0.00005; 1000 Genomes Project 30x 0.00016; 1000 Genomes Project 0.00020; TOPMed 0.00003; ExAC 0.00005; gnomAD 0.00005; ESP Exome Variant Server 0.00008.
gnomAD v4.1: 224 of 1,606,486 alleles (0.014%); highest among the groups gnomAD compares: Non-Finnish European, 0.019%; 2 homozygotes.

Submissions (11):

Evidence-based Network for the Interpretation of Germline Mutant Alleles (ENIGMA)
Classification: Benign for Breast-ovarian cancer, familial, susceptibility to, 1. Last evaluated: 2019-06-18. Review status: reviewed by expert panel. Criteria: ENIGMA BRCA1/2 Classification Criteria (2017-06-29). Collection method: curation. Allele origin: germline.
Comment: IARC class based on posterior probability from multifactorial likelihood analysis, thresholds for class as per Plon et al. 2008 (PMID: 18951446). Class 1 based on posterior probability = 1.35E-06

Labcorp Genetics (formerly Invitae), Labcorp
Classification: Benign for Hereditary breast ovarian cancer syndrome. Last evaluated: 2026-01-26. Review status: criteria provided, single submitter. Criteria: Invitae Variant Classification Sherloc (09022015). Collection method: clinical testing. Allele origin: germline. Not counted in ClinVar's aggregate classification.

Center for Genomic Medicine, Rigshospitalet, Copenhagen University Hospital
Classification: Benign. Last evaluated: 2025-03-04. Review status: criteria provided, single submitter. Criteria: ACMG Guidelines, 2015. Collection method: clinical testing. Allele origin: germline. Not counted in ClinVar's aggregate classification.

Blueprint Genetics
Classification: Likely benign. Last evaluated: 2024-11-06. Review status: criteria provided, single submitter. Criteria: ACMG Guidelines, 2015. Collection method: clinical testing. Allele origin: germline. Not counted in ClinVar's aggregate classification.

Women's Health and Genetics/Laboratory Corporation of America, LabCorp
Classification: Likely benign. Last evaluated: 2017-02-13. Review status: criteria provided, single submitter. Criteria: LabCorp Variant Classification Summary - May 2015. Collection method: clinical testing. Allele origin: germline. Not counted in ClinVar's aggregate classification.
Comment: Variant summary: The BRCA1 c.670+16G>A variant involves the alteration of a non-conserved intronic nucleotide. One in silico tool predicts a benign outcome for this variant. This variant was found in 5/103692 control chromosomes at a frequency of 0.0000482, which does not exceed the estimated maximal expected allele frequency of a pathogenic BRCA1 variant (0.0010005). However, this variant, which is found in 11 patients in the UMD database and 2 families in kConFab, is reported as co-occurring with a pathogenic variant in BRCA2 (c.7795_7797delGAA (p.Glu2599del)). Multiple clinical diagnostic laboratories/reputable databases classified this variant as "likely benign/polymorphysm". Similarly, 4/5 in silico tools (via Alamut) predict that this variant does not affect the normal splicing pattern and in functional studies the variant was shown to increase exon 10 inclusion (Steffensen_EJHG_2014). Taken together, this data strongly support non-pathogenicity, therefore the variant was classified as likely benign.

Color Diagnostics, LLC DBA Color Health
Classification: Likely benign for Hereditary cancer-predisposing syndrome. Last evaluated: 2017-01-17. Review status: criteria provided, single submitter. Criteria: ACMG Guidelines, 2015. Collection method: clinical testing. Allele origin: germline. Not counted in ClinVar's aggregate classification.

Ambry Genetics
Classification: Likely benign for Hereditary cancer-predisposing syndrome. Last evaluated: 2015-08-05. Review status: criteria provided, single submitter. Criteria: Ambry Variant Classification Scheme 2023. Collection method: clinical testing. Allele origin: germline. Not counted in ClinVar's aggregate classification.

GeneDx
Classification: Benign. Last evaluated: 2015-05-07. Review status: criteria provided, single submitter. Criteria: GeneDx Variant Classification (06012015). Collection method: clinical testing. Allele origin: germline. Affected: yes. Not counted in ClinVar's aggregate classification.
Comment: This variant is considered likely benign or benign based on one or more of the following criteria: it is a conservative change, it occurs at a poorly conserved position in the protein, it is predicted to be benign by multiple in silico algorithms, and/or has population frequency not consistent with disease.

Department of Pathology and Laboratory Medicine, Sinai Health System
Classification: Likely benign for Malignant tumor of breast. Review status: no assertion criteria provided. Collection method: clinical testing. Allele origin: unknown. Affected: yes. Study: The Canadian Open Genetics Repository (COGR). Not counted in ClinVar's aggregate classification.
Comment: The BRCA1 c.670+16G>A variant was identified in 1 of 2662 proband chromosomes (frequency: 0.0004) from individuals or families with breast and ovarian cancer (Hansen 2011). The variant was also identified in dbSNP (ID: rs199916228) as â€šÃ„ÃºWith likely benign alleleâ€šÃ„Ã¹, Clinvitae database (as likely benign by ClinVar), the ClinVar database (as likely benign by Ambry Genetics) and Fanconi Anemia Mutation Database (LOVD) (probably affects function). This variant was identified in the 1000 Genomes Project in 1 of 5000 chromosomes (frequency: 0.0002), NHLBI GO Exome Sequencing Project in 1 of 8600 European American alleles (freq. 0.0001) and Exome Aggregation Consortium database (March 14, 2016) in 5 of 103692 chromosomes (freq. 0.00005) in the following populations: European (Non-Finnish) in 4 of 56110 chromosomes (freq. 0.00007), South Asian in 1 of 14482 chromosomes (freq. 0.00007), although this low number of observations and low frequency is not substantive enough to determine the prevalence of the variant in the general population and its relationship to disease. The c.670+16G>A variant is located in the 5' splice region but does not affect the invariant +1 and +2 positions. However, positions +3 to +6 are part of the splicing consensus sequence and variants involving these positions sometimes affect splicing. In addition, 1 of 5 in silico or computational prediction software programs (SpliceSiteFinder, MaxEntScan, NNSPLICE, GeneSplicer, HumanSpliceFinder) predict a greater than 10% difference in splicing. The population study by Hansen (2011) identify the variant together with a disease-causing mutation, deletion of exon 18 and 19 in BRCA1, suggesting that this variant could be benign polymorphisms. However, the functional study by Steffensen (2014) observed the variant induced almost complete inclusion of exon 10 â€šÃ„Ã¬ an exon known to be involved in alternative splicing and therefore classified the variant as uncertain significance. In summary, based on the above information, the clinical significance of this variant cannot be determined with certainty at this time although we would lean towards a more benign role for this variant. This variant is classified as likely benign.

Diagnostic Laboratory, Department of Genetics, University Medical Center Groningen
Classification: Likely benign. Review status: no assertion criteria provided. Collection method: clinical testing. Allele origin: germline. Affected: yes. Study: VKGL Data-share Consensus. Not counted in ClinVar's aggregate classification.

Joint Genome Diagnostic Labs from Nijmegen and Maastricht, Radboudumc and MUMC+
Classification: Likely benign. Review status: no assertion criteria provided. Collection method: clinical testing. Allele origin: germline. Affected: yes. Study: VKGL Data-share Consensus. Not counted in ClinVar's aggregate classification.

Literature cited by the submitters: PubMed 31131967 (cited by Evidence-based Network for the Interpretation of Germline Mutant Alleles (ENIGMA)); PubMed 21318380 (cited by Women's Health and Genetics/Laboratory Corporation of America, LabCorp); PubMed 24667779 (cited by Women's Health and Genetics/Laboratory Corporation of America, LabCorp); PubMed 20167696 (cited by Women's Health and Genetics/Laboratory Corporation of America, LabCorp); PubMed 21702907 (cited by Women's Health and Genetics/Laboratory Corporation of America, LabCorp).